The following is an entry in ClinVar:

ClinVar aggregate classification (germline): Uncertain significance (1 of 4 stars; one submission).

Conditions:
Familial focal epilepsy with variable foci (FPEVF). Identifiers: Orphanet 98820, MedGen C1858477, MONDO:0020310.

Submission:

Labcorp Genetics (formerly Invitae), Labcorp
Classification: Uncertain significance for Familial focal epilepsy with variable foci. Last evaluated: 2023-06-17. Review status: criteria provided, single submitter. Criteria: Invitae Variant Classification Sherloc (09022015). Collection method: clinical testing. Allele origin: unknown.
Comment: In summary, the available evidence is currently insufficient to determine the role of this variant in disease. Therefore, it has been classified as a Variant of Uncertain Significance. This variant disrupts a region of the DEPDC5 protein in which other variant(s) (p.Leu948Pro) have been observed in individuals with DEPDC5-related conditions (PMID: 33461085). This suggests that this is a clinically significant region of the protein, and that variants that disrupt it are likely to be disease-causing. This variant has not been reported in the literature in individuals affected with DEPDC5-related conditions. This variant is a gross deletion of the genomic region encompassing exon(s) 28-37 of the DEPDC5 gene. This variant would be expected to be in-frame, preserving the integrity of the reading frame.

Literature cited by the submitters: PubMed 33461085.

NC_000022.10:g.(?_32239061)_(32272271_?)del

Gene: DEPDC5 (DEP domain containing 5, GATOR1 subcomplex subunit; plus strand). Cytogenetic location: 22q12.3.
Variant type: Deletion.
Identifiers: ClinVar variation 3247873 (VCV003247873.1).